The following is an entry in ClinVar:

ClinVar aggregate classification (germline): Uncertain significance (1 of 4 stars; one submission).

Submission:

Labcorp Genetics (formerly Invitae), Labcorp
Classification: Uncertain significance. Last evaluated: 2024-02-24. Review status: criteria provided, single submitter. Criteria: Invitae Variant Classification Sherloc (09022015). Collection method: clinical testing. Allele origin: germline.
Comment: This sequence change replaces valine, which is neutral and non-polar, with alanine, which is neutral and non-polar, at codon 757 of the RBP3 protein (p.Val757Ala). This variant is not present in population databases (gnomAD no frequency). This variant has not been reported in the literature in individuals affected with RBP3-related conditions. ClinVar contains an entry for this variant (Variation ID: 1473480). An algorithm developed to predict the effect of missense changes on protein structure and function (PolyPhen-2) suggests that this variant is likely to be tolerated. In summary, the available evidence is currently insufficient to determine the role of this variant in disease. Therefore, it has been classified as a Variant of Uncertain Significance.

NM_002900.3(RBP3):c.2270T>C (p.Val757Ala)

Gene: RBP3 (retinol binding protein 3; plus strand). Cytogenetic location: 10q11.22.
Variant type: single nucleotide variant.
Coding change: c.2270T>C on transcript NM_002900.3 (MANE Select); coding-DNA position 2270, T replaced by C.
Protein change: p.Val757Ala; replaces valine 757 with alanine.
Molecular consequence: missense variant.
Genome position (GRCh38, 1-based): chr10:47,350,754, T>C. VCF-style: chr10-47350754-T-C. GRCh37 (hg19) VCF-style: chr10-48388608-A-G.
Other names: short protein forms V757A.
Identifiers: ClinVar variation 1473480 (VCV001473480.8), dbSNP rs17853945, ClinGen allele CA376672714.